The following is an entry in ClinVar:

NM_000186.4(CFH):c.3133+4C>G

Gene: CFH (complement factor H; plus strand). Cytogenetic location: 1q31.3.
Variant type: single nucleotide variant.
Coding change: c.3133+4C>G on transcript NM_000186.4 (MANE Select); 4 bases into the intron after coding-DNA position 3133, C replaced by G.
Molecular consequence: intron variant.
Genome position (GRCh38, 1-based): chr1:196,742,055, C>G. VCF-style: chr1-196742055-C-G. GRCh37 (hg19) VCF-style: chr1-196711185-C-G.
Other names: p.?.
Identifiers: ClinVar variation 598661 (VCV000598661.26), dbSNP rs374729595, ClinGen allele CA1305828.
Genomic context (GRCh38, chr1:196,742,055, plus strand): 5'-GAGCCAGTAATGTAACATGCATTAATAGCAGATGGACAGGAAGGCCAACATGCAGAGGTA[C>G]TTTGGTGAATTTTCAAAATTTATTTATATAATGTGTGGGCCCAGCCCAGTGGCTGGCGCC-3'

ClinVar aggregate classification (germline): Conflicting classifications of pathogenicity. Review status: criteria provided, conflicting classifications (1 of 4 stars). 12 submissions from 9 submitters: Uncertain significance (8); Likely benign (2). 2 of the submissions do not count toward it. Last evaluated 2026-01-07.

Conditions:
CFH-related disorder. Also called: CFH-related disorders; CFH-related condition.
Factor H deficiency (CFHD). Also called: COMPLEMENT FACTOR H DEFICIENCY; CFH DEFICIENCY. Identifiers: Orphanet 200421, MedGen C0398777, MONDO:0012350, OMIM 609814.
Hemolytic uremic syndrome, atypical, susceptibility to, 1. Also called: AHUS, SUSCEPTIBILITY TO, 1. Identifiers: Orphanet 2134, Orphanet 90038, MedGen C2749604, MONDO:0009335, OMIM 235400. Disease mechanism: Other.
Basal laminar drusen. Also called: DRUSEN OF BRUCH MEMBRANE; DRUSEN, CUTICULAR; DRUSEN, EARLY ADULT-ONSET, GROUPED. Identifiers: Orphanet 75376, MedGen C0730295, MONDO:0007472, OMIM 126700.
Age related macular degeneration 4. Identifiers: MedGen C1853147, MONDO:0012540, OMIM 610698.
Optic atrophy. Identifiers: MedGen C0029124, MONDO:0003608, HP:0000648.
CFH-Related Dense Deposit Disease / Membranoproliferative Glomerulonephritis Type II. Identifiers: MedGen CN071292.

Allele frequency attached by ClinVar (database versions not stated): gnomAD 0.00025; ExAC 0.00027; gnomAD exomes 0.00028; TOPMed 0.00028; ESP Exome Variant Server 0.00046.
gnomAD v4.1: 491 of 1,613,728 alleles (0.03%); highest among the groups gnomAD compares: Non-Finnish European, 0.037%; no homozygotes.

Submissions (12):

Labcorp Genetics (formerly Invitae), Labcorp
Classification: Uncertain significance. Last evaluated: 2026-01-07. Review status: criteria provided, single submitter. Criteria: Invitae Variant Classification Sherloc (09022015). Collection method: clinical testing. Allele origin: germline.
Comment: This sequence change falls in intron 19 of the CFH gene. It does not directly change the encoded amino acid sequence of the CFH protein. It affects a nucleotide within the consensus splice site. This variant is present in population databases (rs374729595, gnomAD 0.05%). This variant has not been reported in the literature in individuals affected with CFH-related conditions. ClinVar contains an entry for this variant (Variation ID: 598661). Variants that disrupt the consensus splice site are a relatively common cause of aberrant splicing (PMID: 17576681, 9536098). Algorithms developed to predict the effect of sequence changes on RNA splicing suggest that this variant may disrupt the consensus splice site. In summary, the available evidence is currently insufficient to determine the role of this variant in disease. Therefore, it has been classified as a Variant of Uncertain Significance.

Mayo Clinic Laboratories, Mayo Clinic
Classification: Likely benign. Last evaluated: 2025-09-19. Review status: criteria provided, single submitter. Criteria: ACMG Guidelines, 2015. Collection method: clinical testing. Allele origin: germline. Observed: 3 variant alleles.
Comment: BP4, BP7

Blueprint Genetics
Classification: Uncertain significance. Last evaluated: 2024-10-28. Review status: criteria provided, single submitter. Criteria: ACMG Guidelines, 2015. Collection method: clinical testing. Allele origin: germline.

Fulgent Genetics
Classification: Uncertain significance for Basal laminar drusen; Hemolytic uremic syndrome, atypical, susceptibility to, 1; Factor H deficiency; Age related macular degeneration 4. Last evaluated: 2024-06-05. Review status: criteria provided, single submitter. Criteria: ACMG Guidelines, 2015. Collection method: clinical testing. Allele origin: germline.

Women's Health and Genetics/Laboratory Corporation of America, LabCorp
Classification: Uncertain significance. Last evaluated: 2024-03-21. Review status: criteria provided, single submitter. Criteria: LabCorp Variant Classification Summary - May 2015. Collection method: clinical testing. Allele origin: germline.
Comment: Variant summary: CFH c.3133+4C>G alters a non-conserved nucleotide located close to a canonical splice site and therefore could affect mRNA splicing, leading to a significantly altered protein sequence. Several computational tools predict a significant impact on normal splicing: Two predict the variant weakens a 5' donor site. However, these predictions have yet to be confirmed by functional studies. The variant allele was found at a frequency of 0.00028 in 251412 control chromosomes. c.3133+4C>G has been reported in the literature in at least one compound heterozygous individual affected with atypical hemolytic uremic syndrome (e.g. Zuber_2019) and an individual affected with age-related macular degeneration (e.g. deBreuk_2021). These reports do not provide unequivocal conclusions about association of the variant with CFH-Related Disorders. To our knowledge, no experimental evidence demonstrating an impact on protein function has been reported. The following publications have been ascertained in the context of this evaluation (PMID: 31575699, 36246952). ClinVar contains an entry for this variant (Variation ID: 598661). Based on the evidence outlined above, the variant was classified as uncertain significance.

Eurofins Ntd Llc (ga)
Classification: Uncertain significance. Last evaluated: 2018-09-06. Review status: criteria provided, single submitter. Criteria: EGL ClinVar v180209 classification definitions. Collection method: clinical testing. Allele origin: germline. Observed: 1 variant allele, 1 heterozygote.

Illumina Laboratory Services, Illumina
Classification: Uncertain significance for Age related macular degeneration 4. Last evaluated: 2018-01-13. Review status: criteria provided, single submitter. Criteria: ICSL Variant Classification Criteria 13 December 2019. Collection method: clinical testing. Allele origin: germline.

Illumina Laboratory Services, Illumina
Classification: Likely benign for Hemolytic uremic syndrome, atypical, susceptibility to, 1. Last evaluated: 2018-01-13. Review status: criteria provided, single submitter. Criteria: ICSL Variant Classification Criteria 13 December 2019. Collection method: clinical testing. Allele origin: germline.
Comment: This variant was observed in the ICSL laboratory as part of a predisposition screen in an ostensibly healthy population. It had not been previously curated by ICSL or reported in the Human Gene Mutation Database (HGMD: prior to June 1st, 2018), and was therefore a candidate for classification through an automated scoring system. Utilizing variant allele frequency, disease prevalence and penetrance estimates, and inheritance mode, an automated score was calculated to assess if this variant is too frequent to cause the disease. Based on the score and internal cut-off values, a variant classified as likely benign is not then subjected to further curation. The score for this variant resulted in a classification of likely benign for this disease.

Illumina Laboratory Services, Illumina
Classification: Uncertain significance for Basal laminar drusen. Last evaluated: 2018-01-13. Review status: criteria provided, single submitter. Criteria: ICSL Variant Classification Criteria 13 December 2019. Collection method: clinical testing. Allele origin: germline.

Illumina Laboratory Services, Illumina
Classification: Uncertain significance for Membranoproliferative glomerulonephritis with complement factor h deficiency. Last evaluated: 2018-01-13. Review status: criteria provided, single submitter. Criteria: ICSL Variant Classification Criteria 13 December 2019. Collection method: clinical testing. Allele origin: germline.

Institute of Human Genetics, Univ. Regensburg, Univ. Regensburg
Classification: Uncertain significance for Optic atrophy. Last evaluated: 2022-01-01. Review status: no assertion criteria provided. Criteria: ACMG Guidelines, 2015. Collection method: clinical testing. Allele origin: germline. Affected: yes. Not counted in ClinVar's aggregate classification.

PreventionGenetics, part of Exact Sciences
Classification: Likely benign for CFH-related condition. Last evaluated: 2019-07-24. Review status: no assertion criteria provided. Collection method: clinical testing. Allele origin: germline. Not counted in ClinVar's aggregate classification.
Comment: This variant is classified as likely benign based on ACMG/AMP sequence variant interpretation guidelines (Richards et al. 2015 PMID: 25741868, with internal and published modifications).

Literature cited by the submitters: PubMed 17576681 (cited by Labcorp Genetics (formerly Invitae), Labcorp); PubMed 9536098 (cited by Labcorp Genetics (formerly Invitae), Labcorp); PubMed 31575699 (cited by Mayo Clinic Laboratories, Mayo Clinic and Women's Health and Genetics/Laboratory Corporation of America, LabCorp); PubMed 36246952 (cited by Mayo Clinic Laboratories, Mayo Clinic and Women's Health and Genetics/Laboratory Corporation of America, LabCorp).